The following is an entry in ClinVar:

ClinVar aggregate classification (germline): Likely benign. Review status: criteria provided, multiple submitters, no conflicts (2 of 4 stars). 4 submissions from 4 submitters: Likely benign (4). Last evaluated 2025-04-09.

Conditions:
Cardiomyopathy (CMYO). Also called: Cardiomyopathies. Identifiers: Orphanet 167848, MedGen C0878544, MONDO:0004994, HP:0001638. Inheritance: Various modes of inheritance.
Cardiovascular phenotype. Identifiers: MedGen CN230736.
Hypertrophic cardiomyopathy. Also called: HYPERTROPHIC MYOCARDIOPATHY. Identifiers: Orphanet 217569, MedGen C0007194, MeSH D002312, MONDO:0005045, HP:0001639.

gnomAD v4.1: 1 of 1,563,234 alleles (0.000064%); highest among the groups gnomAD compares: Non-Finnish European, 0.000087%; no homozygotes.

Submissions (4):

Molecular Diagnostic Laboratory for Inherited Cardiovascular Disease, Montreal Heart Institute
Classification: Likely benign. Last evaluated: 2025-04-09. Review status: criteria provided, single submitter. Criteria: ACMG Guidelines, 2015. Collection method: clinical testing. Allele origin: germline. Affected: no.

All of Us Research Program, National Institutes of Health
Classification: Likely benign for Hypertrophic cardiomyopathy. Last evaluated: 2023-06-26. Review status: criteria provided, single submitter. Criteria: ACMG Guidelines, 2015. Collection method: clinical testing. Allele origin: germline. Inheritance: Autosomal dominant inheritance. Observed: 1 variant allele, 1 heterozygote.
Comment: This study involves interpretation of variants in research participants for the purpose of population health screening. Participant phenotype was not available at the time of variant classification. Additional details can be found in publication PMID: 35346344, PMCID: PMC8962531

Ambry Genetics
Classification: Likely benign for Cardiovascular phenotype. Last evaluated: 2023-05-05. Review status: criteria provided, single submitter. Criteria: Ambry Variant Classification Scheme 2023. Collection method: clinical testing. Allele origin: germline.

Color Diagnostics, LLC DBA Color Health
Classification: Likely benign for Cardiomyopathy. Last evaluated: 2021-11-24. Review status: criteria provided, single submitter. Criteria: ACMG Guidelines, 2015. Collection method: clinical testing. Allele origin: germline.

NM_000256.3(MYBPC3):c.2655G>T (p.Thr885=)

Gene: MYBPC3 (myosin binding protein C3; minus strand). Cytogenetic location: 11p11.2.
Variant type: single nucleotide variant.
Coding change: c.2655G>T on transcript NM_000256.3 (MANE Select); coding-DNA position 2655, G replaced by T.
Protein change: p.Thr885=; no amino-acid change (threonine 885 retained).
Molecular consequence: synonymous variant.
Genome position (GRCh38, 1-based): chr11:47,335,959, C>A on the plus strand (G>T on the coding strand, the complement: MYBPC3 is on the minus strand). VCF-style: chr11-47335959-C-A. GRCh37 (hg19) VCF-style: chr11-47357510-C-A.
Identifiers: ClinVar variation 2563089 (VCV002563089.5), dbSNP rs769996102, ClinGen allele CA474214564.
Genomic context (GRCh38, chr11:47,335,959, plus strand): 5'-GCTGTAGCCATCCAGGCCTCCTGCTCCCACGCGCTCTGGGGGCCGCCACTTGAGGGAGAC[C>A]GTGGTGTCAGAGACGTCCTCTACTGCCAGGTGGGTGGGTTCGCTGGGGGGACCTGGGCAG-3'
Protein context (NP_000247.2, residues 875-895): HLAVEDVSDT[Thr885=]VSLKWRPPER